The following is an entry in ClinVar:

ClinVar aggregate classification (germline): Uncertain significance (1 of 4 stars; one submission).

Conditions:
Familial adenomatous polyposis 2. Also called: MUTYH-associated polyposis; MUTYH-related attenuated familial adenomatous polyposis; FAP type 2; Adenomas, multiple colorectal; MYH-associated polyposis; MUTYH Polyposis. Identifiers: Orphanet 220460, Orphanet 247798, MedGen C3272841, MONDO:0012041, OMIM 608456.

Submission:

Labcorp Genetics (formerly Invitae), Labcorp
Classification: Uncertain significance for Familial adenomatous polyposis 2. Last evaluated: 2022-07-17. Review status: criteria provided, single submitter. Criteria: Invitae Variant Classification Sherloc (09022015). Collection method: clinical testing. Allele origin: germline.
Comment: This variant has not been reported in the literature in individuals affected with MUTYH-related conditions. This variant is not present in population databases (gnomAD no frequency). This sequence change replaces glutamine, which is neutral and polar, with leucine, which is neutral and non-polar, at codon 230 of the MUTYH protein (p.Gln230Leu). In summary, the available evidence is currently insufficient to determine the role of this variant in disease. Therefore, it has been classified as a Variant of Uncertain Significance. Algorithms developed to predict the effect of sequence changes on RNA splicing suggest that this variant may disrupt the consensus splice site. Algorithms developed to predict the effect of missense changes on protein structure and function are either unavailable or do not agree on the potential impact of this missense change (SIFT: "Deleterious"; PolyPhen-2: "Benign"; Align-GVGD: "Class C65").

NM_001048174.2(MUTYH):c.605A>T (p.Gln202Leu)

Gene: MUTYH (mutY DNA glycosylase; minus strand). Cytogenetic location: 1p34.1.
Variant type: single nucleotide variant.
Coding change: c.605A>T on transcript NM_001048174.2 (MANE Select); coding-DNA position 605, A replaced by T.
Protein change: p.Gln202Leu; replaces glutamine 202 with leucine.
Molecular consequence: missense variant. On other transcripts: non-coding transcript variant (2).
Genome position (GRCh38, 1-based): chr1:45,332,575, T>A on the plus strand (A>T on the coding strand, the complement: MUTYH is on the minus strand). VCF-style: chr1-45332575-T-A. GRCh37 (hg19) VCF-style: chr1-45798247-T-A.
Other names: c.329A>T, p.Gln110Leu (NM_001293196.2, NM_001407091.1, NM_001293192.2); c.260A>T, p.Gln87Leu (NM_001350650.2, NM_001350651.2, NM_001407082.1); c.638A>T, p.Gln213Leu (NM_001407069.1, NM_001407077.1, NM_001293191.2); c.605A>T, p.Gln202Leu (NM_001407070.1, NM_001407072.1, NM_001407073.1 and 6 more transcripts); c.608A>T, p.Gln203Leu (NM_001407071.1, NM_001407078.1, NM_001407086.1 and 1 more transcripts); c.521A>T, p.Gln174Leu (NM_001407075.1); c.566A>T, p.Gln189Leu (NM_001407079.1); c.563A>T, p.Gln188Leu (NM_001407080.1); and 5 more; short protein forms Q110L, Q174L, Q188L, Q189L, Q202L, Q203L, Q209L, Q213L.
Identifiers: ClinVar variation 1716493 (VCV001716493.5), dbSNP rs1645128943, ClinGen allele CA340135258.